The following is an entry in ClinVar:

NM_000516.7(GNAS):c.10dup (p.Leu4fs)

Gene: GNAS (GNAS complex locus; plus strand). Cytogenetic location: 20q13.32.
Variant type: Duplication.
Coding change: c.10dup on transcript NM_000516.7 (MANE Select); coding-DNA position 10, one base duplicated (C; older notation c.10dupC).
Protein change: p.Leu4fs; shifts the reading frame from leucine 4.
Molecular consequence: frameshift variant. On other transcripts: intron variant (6).
Genome position (GRCh38, 1-based): chr20:58,891,736, C duplicated; the last of 2 consecutive C bases (chr20:58,891,735-58,891,736); duplicating either gives the same sequence. VCF-style (leftmost placement, unchanged base first): chr20-58891734-G-GC. GRCh37 (hg19) VCF-style: chr20-57466789-G-GC.
Other names: c.10dup, p.Leu4fs (NM_001077488.5, NM_001077489.4, NM_001309842.2 and 1 more transcripts); c.*43-3876dup (NM_016592.5); c.-38-3876dup (NM_001309861.2); c.*1-3876dup (NM_001077490.3); c.2069-3876dup (NM_080425.4); c.*159-3876dup (NM_001309883.1); c.-39+2383dup (NM_001309840.2); short protein forms L4fs.
Identifiers: ClinVar variation 2025972 (VCV002025972.4), dbSNP rs2516795334, ClinGen allele CA2580098308.

ClinVar aggregate classification (germline): Pathogenic (1 of 4 stars; one submission).

Submission:

Labcorp Genetics (formerly Invitae), Labcorp
Classification: Pathogenic. Last evaluated: 2022-08-22. Review status: criteria provided, single submitter. Criteria: Invitae Variant Classification Sherloc (09022015). Collection method: clinical testing. Allele origin: germline.
Comment: This variant is not present in population databases (gnomAD no frequency). This sequence change creates a premature translational stop signal (p.Leu4Profs*5) in the GNAS gene. It is expected to result in an absent or disrupted protein product. Loss-of-function variants in GNAS are known to be pathogenic (PMID: 11784876, 23281139, 23796510, 25802881). This variant has not been reported in the literature in individuals affected with GNAS-related conditions. For these reasons, this variant has been classified as Pathogenic.

Literature cited by the submitters: PubMed 11784876; PubMed 23281139; PubMed 23796510; PubMed 25802881.